The following is an entry in ClinVar:

NM_000048.4(ASL):c.795del (p.Lys266fs)

Gene: ASL (argininosuccinate lyase; plus strand). Cytogenetic location: 7q11.21.
Variant type: Deletion.
Coding change: c.795del on transcript NM_000048.4 (MANE Select); coding-DNA position 795, one base deleted (C; older notation c.795delC).
Protein change: p.Lys266fs; shifts the reading frame from lysine 266.
Molecular consequence: frameshift variant.
Genome position (GRCh38, 1-based): chr7:66,088,883, C deleted; the last of 2 consecutive C bases (chr7:66,088,882-66,088,883); deleting either gives the same sequence. VCF-style (leftmost placement, unchanged base first): chr7-66088881-AC-A. GRCh37 (hg19) VCF-style: chr7-65553868-AC-A.
Other names: c.795del, p.Lys266fs (NM_001024943.2, NM_001024944.2); c.717del, p.Lys240fs (NM_001024946.2); short protein forms K240fs, K266fs.
Identifiers: ClinVar variation 5012562 (VCV005012562.1).

ClinVar aggregate classification (germline): Pathogenic (1 of 4 stars; one submission).

Conditions:
Argininosuccinate lyase deficiency. Also called: ARGININOSUCCINIC ACID LYASE DEFICIENCY; ASL DEFICIENCY; Argininosuccinic aciduria. Identifiers: Orphanet 23, MedGen C0268547, MONDO:0008815, OMIM 207900, HP:0025630.

Submission:

Myriad Genetics, Inc.
Classification: Pathogenic for Argininosuccinate lyase deficiency. Last evaluated: 2023-12-10. Review status: criteria provided, single submitter. Criteria: Myriad Autosomal Dominant, Autosomal Recessive and X-Linked Classification Criteria (2023). Collection method: clinical testing. Allele origin: unknown.
Comment: NM_001024943.1(ASL):c.795delC(K266Rfs*18) is expected to be pathogenic in the context of argininosuccinic aciduria. This variant is predicted to lead to an abnormal or absent protein product due to the creation of a premature termination codon in ASL, a gene where loss-of-function variants are known to be pathogenic. Please note: this variant was assessed in the context of healthy population screening.